The following is an entry in ClinVar:

ClinVar aggregate classification (germline): Uncertain significance. Review status: criteria provided, single submitter (1 of 4 stars). 2 submissions from 2 submitters: Uncertain significance (1). 1 of the submissions does not count toward it. Last evaluated 2021-08-27.

Conditions:
Nemaline myopathy 2 (NEM2). Also called: Nemaline myopathy 2, autosomal recessive. Identifiers: MedGen C1850569, MONDO:0009725, OMIM 256030.

Allele frequency attached by ClinVar (database versions not stated): ExAC 0.00001; gnomAD exomes 0.00001 and 0.00004; TOPMed 0.00001; gnomAD 0.00003 and 0.00004.
gnomAD v4.1: 70 of 1,613,316 alleles (0.0043%); highest among the groups gnomAD compares: Non-Finnish European, 0.0055%; no homozygotes.

Submissions (2):

Labcorp Genetics (formerly Invitae), Labcorp
Classification: Uncertain significance for Nemaline myopathy 2. Last evaluated: 2021-08-27. Review status: criteria provided, single submitter. Criteria: Invitae Variant Classification Sherloc (09022015). Collection method: clinical testing. Allele origin: germline.
Comment: This sequence change replaces lysine with isoleucine at codon 6982 of the NEB protein (p.Lys6982Ile). The lysine residue is weakly conserved and there is a moderate physicochemical difference between lysine and isoleucine. This variant is present in population databases (rs776012642, ExAC 0.001%). This variant has not been reported in the literature in individuals affected with NEB-related conditions. Algorithms developed to predict the effect of missense changes on protein structure and function are either unavailable or do not agree on the potential impact of this missense change (SIFT: "Deleterious"; PolyPhen-2: "Not Available"; Align-GVGD: "Class C0"). In summary, the available evidence is currently insufficient to determine the role of this variant in disease. Therefore, it has been classified as a Variant of Uncertain Significance.

Natera, Inc.
Classification: Uncertain significance for Nemaline myopathy type 2. Last evaluated: 2020-03-24. Review status: no assertion criteria provided. Collection method: clinical testing. Allele origin: germline. Not counted in ClinVar's aggregate classification.

NM_001164508.2(NEB):c.20945A>T (p.Lys6982Ile)

Gene: NEB (nebulin; minus strand). Cytogenetic location: 2q23.3.
Variant type: single nucleotide variant.
Coding change: c.20945A>T on transcript NM_001164508.2 (MANE Select); coding-DNA position 20945, A replaced by T.
Protein change: p.Lys6982Ile; replaces lysine 6982 with isoleucine.
Molecular consequence: missense variant.
Genome position (GRCh38, 1-based): chr2:151,538,192, T>A on the plus strand (A>T on the coding strand, the complement: NEB is on the minus strand). VCF-style: chr2-151538192-T-A. GRCh37 (hg19) VCF-style: chr2-152394706-T-A.
Other names: c.20945A>T, p.Lys6982Ile (NM_001164507.2, NM_001271208.2); c.15842A>T, p.Lys5281Ile (NM_004543.5); short protein forms K5281I, K6982I.
Identifiers: ClinVar variation 652183 (VCV000652183.7), dbSNP rs776012642, ClinGen allele CA1907125.